The following is an entry in ClinVar:

ClinVar aggregate classification (germline): Uncertain significance (1 of 4 stars; one submission).

Conditions:
Pallister-Hall syndrome (PHS). Also called: HYPOTHALAMIC HAMARTOBLASTOMA, HYPOPITUITARISM, IMPERFORATE ANUS, AND POSTAXIAL POLYDACTYLY; GLI3-Related Pallister-Hall Syndrome. Identifiers: Orphanet 672, MedGen C0265220, MONDO:0007804, OMIM 146510.
Greig cephalopolysyndactyly syndrome (GCPS). Also called: POLYSYNDACTYLY WITH PECULIAR SKULL SHAPE; Greig syndrome; GLI3-Related Greig Cephalopolysyndactyly Syndrome. Identifiers: Orphanet 380, MedGen C0265306, MONDO:0008287, OMIM 175700.

Submission:

Labcorp Genetics (formerly Invitae), Labcorp
Classification: Uncertain significance for Pallister-Hall syndrome; Greig cephalopolysyndactyly syndrome. Last evaluated: 2025-02-27. Review status: criteria provided, single submitter. Criteria: Invitae Variant Classification Sherloc (09022015). Collection method: clinical testing. Allele origin: germline.
Comment: This sequence change replaces cysteine, which is neutral and slightly polar, with arginine, which is basic and polar, at codon 1194 of the GLI3 protein (p.Cys1194Arg). The frequency data for this variant in the population databases is considered unreliable, as metrics indicate poor data quality at this position in the gnomAD database. This variant has not been reported in the literature in individuals affected with GLI3-related conditions. Invitae Evidence Modeling of protein sequence and biophysical properties (such as structural, functional, and spatial information, amino acid conservation, physicochemical variation, residue mobility, and thermodynamic stability) indicates that this missense variant is not expected to disrupt GLI3 protein function with a negative predictive value of 95%. In summary, the available evidence is currently insufficient to determine the role of this variant in disease. Therefore, it has been classified as a Variant of Uncertain Significance.

NM_000168.6(GLI3):c.3580T>C (p.Cys1194Arg)

Gene: GLI3 (GLI family zinc finger 3; minus strand). Cytogenetic location: 7p14.1.
Variant type: single nucleotide variant.
Coding change: c.3580T>C on transcript NM_000168.6 (MANE Select); coding-DNA position 3580, T replaced by C.
Protein change: p.Cys1194Arg; replaces cysteine 1194 with arginine.
Molecular consequence: missense variant.
Genome position (GRCh38, 1-based): chr7:41,965,493, A>G on the plus strand (T>C on the coding strand, the complement: GLI3 is on the minus strand). VCF-style: chr7-41965493-A-G. GRCh37 (hg19) VCF-style: chr7-42005091-A-G.
Other names: short protein forms C1194R.
Identifiers: ClinVar variation 4792406 (VCV004792406.1).